The following is an entry in ClinVar:

ClinVar aggregate classification (germline): Conflicting classifications of pathogenicity. Review status: criteria provided, conflicting classifications (1 of 4 stars). 5 submissions from 5 submitters: Uncertain significance (4); Likely benign (1). Last evaluated 2025-08-04.

Conditions:
Inborn genetic diseases. Identifiers: MedGen C0950123, MeSH D030342.
Fanconi anemia (FA). Also called: Fanconi's anemia. Identifiers: Orphanet 84, MedGen C0015625, MeSH D005199, MONDO:0019391.
Fanconi anemia complementation group D2. Also called: FANCD2-Related Fanconi Anemia; FANCONI PANCYTOPENIA, TYPE 4; FANCONI ANEMIA, COMPLEMENTATION GROUP D. Identifiers: Orphanet 84, MedGen C3160738, MONDO:0009214, OMIM 227646.

Allele frequency attached by ClinVar (database versions not stated): gnomAD exomes 0.00009; ExAC 0.00013; ESP Exome Variant Server 0.00015; gnomAD 0.00026; TOPMed 0.00028; 1000 Genomes Project 0.00040; 1000 Genomes Project 30x 0.00047.
gnomAD v4.1: 85 of 1,613,758 alleles (0.0053%); highest among the groups gnomAD compares: African/African-American, 0.071%; no homozygotes.

Submissions (5):

Dasa
Classification: Uncertain significance. Last evaluated: 2025-08-04. Review status: criteria provided, single submitter. Criteria: DASA Assertion Criteria. Collection method: clinical testing. Allele origin: germline.
Comment: NM_001018115.3(FANCD2):c.1015G>A (p.Gly339Ser) is a missense variant that results in the substitution of glycine with serine. This variant is rare in population databases. Computational prediction algorithms are consistent with a benign effect. The currently available literature and clinical evidence are not sufficient to establish a definitive association between this variant and the reported condition. Therefore, this variant is classified as a variant of uncertain significance.

Labcorp Genetics (formerly Invitae), Labcorp
Classification: Uncertain significance for Fanconi anemia. Last evaluated: 2024-03-07. Review status: criteria provided, single submitter. Criteria: Invitae Variant Classification Sherloc (09022015). Collection method: clinical testing. Allele origin: germline.
Comment: This sequence change replaces glycine, which is neutral and non-polar, with serine, which is neutral and polar, at codon 339 of the FANCD2 protein (p.Gly339Ser). This variant is present in population databases (rs144332316, gnomAD 0.08%). This variant has not been reported in the literature in individuals affected with FANCD2-related conditions. ClinVar contains an entry for this variant (Variation ID: 1487062). Advanced modeling of protein sequence and biophysical properties (such as structural, functional, and spatial information, amino acid conservation, physicochemical variation, residue mobility, and thermodynamic stability) performed at Invitae indicates that this missense variant is not expected to disrupt FANCD2 protein function with a negative predictive value of 80%. In summary, the available evidence is currently insufficient to determine the role of this variant in disease. Therefore, it has been classified as a Variant of Uncertain Significance.

Fulgent Genetics
Classification: Uncertain significance for Fanconi anemia complementation group D2. Last evaluated: 2024-02-20. Review status: criteria provided, single submitter. Criteria: ACMG Guidelines, 2015. Collection method: clinical testing. Allele origin: germline.

Ambry Genetics
Classification: Likely benign for Inborn genetic diseases. Last evaluated: 2023-12-08. Review status: criteria provided, single submitter. Criteria: Ambry Variant Classification Scheme 2023. Collection method: clinical testing. Allele origin: germline.

Blueprint Genetics
Classification: Uncertain significance. Last evaluated: 2022-11-24. Review status: criteria provided, single submitter. Criteria: ACMG Guidelines, 2015. Collection method: clinical testing. Allele origin: germline.

NM_001018115.3(FANCD2):c.1015G>A (p.Gly339Ser)

Genes: FANCD2 (FA complementation group D2; plus strand), LOC107303338 (3p25 FANCD2 Alu-mediated recombination region; plus strand). Cytogenetic location: 3p25.3.
Variant type: single nucleotide variant.
Coding change: c.1015G>A on transcript NM_001018115.3 (MANE Select); coding-DNA position 1015, G replaced by A.
Protein change: p.Gly339Ser; replaces glycine 339 with serine.
Molecular consequence: missense variant.
Genome position (GRCh38, 1-based): chr3:10,043,509, G>A. VCF-style: chr3-10043509-G-A. GRCh37 (hg19) VCF-style: chr3-10085193-G-A.
Other names: c.1015G>A (NM_033084.3); c.1015G>A, p.Gly339Ser (NM_001319984.2, NM_001374253.1, NM_001374254.1 and 1 more transcripts); short protein forms G339S.
Identifiers: ClinVar variation 1487062 (VCV001487062.10), dbSNP rs144332316, ClinGen allele CA2249465.